The following is an entry in ClinVar:

ClinVar aggregate classification (germline): Likely pathogenic (1 of 4 stars; one submission).

Conditions:
Dilated cardiomyopathy 1G (CMD1G). Identifiers: Orphanet 154, MedGen C1858763, MONDO:0011400, OMIM 604145.
Autosomal recessive limb-girdle muscular dystrophy type 2J (LGMDR10). Also called: Limb-girdle muscular dystrophy, type 2J; MUSCULAR DYSTROPHY, LIMB-GIRDLE, AUTOSOMAL RECESSIVE 10. Identifiers: Orphanet 140922, MedGen C1837342, MONDO:0012127, OMIM 608807.

Submission:

Labcorp Genetics (formerly Invitae), Labcorp
Classification: Likely pathogenic for Dilated cardiomyopathy 1G; Autosomal recessive limb-girdle muscular dystrophy type 2J. Last evaluated: 2023-06-24. Review status: criteria provided, single submitter. Criteria: Invitae Variant Classification Sherloc (09022015). Collection method: clinical testing. Allele origin: germline.
Comment: In summary, the currently available evidence indicates that the variant is pathogenic, but additional data are needed to prove that conclusively. Therefore, this variant has been classified as Likely Pathogenic. This variant is located in the A band of TTN (PMID: 25589632). Truncating variants in this region are significantly overrepresented in patients affected with dilated cardiomyopathy (PMID: 25589632). Truncating variants in this region have also been reported in individuals affected with autosomal recessive centronuclear myopathy (PMID: 23975875). This variant has not been reported in the literature in individuals affected with TTN-related conditions. This variant is not present in population databases (gnomAD no frequency). This sequence change creates a premature translational stop signal (p.Trp28892*) in the TTN gene. While this is not anticipated to result in nonsense mediated decay, it is expected to create a truncated TTN protein.

Literature cited by the submitters: PubMed 25589632; PubMed 23975875.

NM_001267550.2(TTN):c.86676G>A (p.Trp28892Ter)

Genes: TTN-AS1 (TTN antisense RNA 1; plus strand), TTN (titin; minus strand). Cytogenetic location: 2q31.2.
Variant type: single nucleotide variant.
Coding change: c.86676G>A on transcript NM_001267550.2 (MANE Select); coding-DNA position 86676, G replaced by A.
Protein change: p.Trp28892Ter; replaces tryptophan 28892 with a stop codon.
Molecular consequence: nonsense.
Genome position (GRCh38, 1-based): chr2:178,559,456, C>T on the plus strand (G>A on the coding strand, the complement: TTN is on the minus strand). VCF-style: chr2-178559456-C-T. GRCh37 (hg19) VCF-style: chr2-179424183-C-T.
Other names: c.81753G>A, p.Trp27251Ter (NM_001256850.1); c.59481G>A, p.Trp19827Ter (NM_003319.4); c.78972G>A, p.Trp26324Ter (NM_133378.4); c.59856G>A, p.Trp19952Ter (NM_133432.3); c.60057G>A, p.Trp20019Ter (NM_133437.4); short protein forms W19827*, W20019*, W28892*, W27251*, W19952*, W26324*.
Identifiers: ClinVar variation 2949242 (VCV002949242.3), dbSNP rs779407441, ClinGen allele CA349542199.